The following is an entry in ClinVar:

ClinVar aggregate classification (germline): Uncertain significance (1 of 4 stars; one submission).

Conditions:
Charcot-Marie-Tooth disease axonal type 2S. Also called: CHARCOT-MARIE-TOOTH DISEASE, AXONAL, AUTOSOMAL RECESSIVE, TYPE 2S; CHARCOT-MARIE-TOOTH NEUROPATHY, TYPE 2S. Identifiers: Orphanet 443073, MedGen C4015349, MONDO:0014511, OMIM 616155.
Autosomal recessive distal spinal muscular atrophy 1. Also called: NEURONOPATHY, DISTAL HEREDITARY MOTOR, HARDING TYPE VI; NEUROPATHY, DISTAL HEREDITARY MOTOR, AUTOSOMAL RECESSIVE 1; SEVERE INFANTILE AXONAL NEUROPATHY WITH RESPIRATORY FAILURE; SPINAL MUSCULAR ATROPHY, DIAPHRAGMATIC; Spinal muscular atrophy with respiratory distress 1; HMN VI. Identifiers: Orphanet 98920, MedGen C1858517, MONDO:0011436, OMIM 604320.

gnomAD v4.1: 2 of 1,614,100 alleles (0.00012%); highest among the groups gnomAD compares: Non-Finnish European, 0.000085%; no homozygotes.

Submission:

Juno Genomics, Hangzhou Juno Genomics, Inc
Classification: Uncertain significance for Autosomal recessive distal spinal muscular atrophy 1; Charcot-Marie-Tooth disease axonal type 2S. Review status: criteria provided, single submitter. Criteria: ACMG Guidelines, 2015. Collection method: clinical testing. Allele origin: germline.
Comment: Absent from controls (or at extremely low frequency if recessive) in Genome Aggregation Database.

NM_002180.3(IGHMBP2):c.2285C>A (p.Ala762Asp)

Gene: IGHMBP2 (immunoglobulin mu DNA binding protein 2; plus strand). Cytogenetic location: 11q13.3.
Variant type: single nucleotide variant.
Coding change: c.2285C>A on transcript NM_002180.3 (MANE Select); coding-DNA position 2285, C replaced by A.
Protein change: p.Ala762Asp; replaces alanine 762 with aspartic acid.
Molecular consequence: missense variant.
Genome position (GRCh38, 1-based): chr11:68,936,765, C>A. VCF-style: chr11-68936765-C-A. GRCh37 (hg19) VCF-style: chr11-68704233-C-A.
Other names: short protein forms A762D.
Identifiers: ClinVar variation 5004967 (VCV005004967.2).